The following is an entry in ClinVar:

ClinVar aggregate classification (germline): Pathogenic (1 of 4 stars; one submission).

Submission:

Labcorp Genetics (formerly Invitae), Labcorp
Classification: Pathogenic. Last evaluated: 2023-06-09. Review status: criteria provided, single submitter. Criteria: Invitae Variant Classification Sherloc (09022015). Collection method: clinical testing. Allele origin: germline.
Comment: This variant has not been reported in the literature in individuals affected with NKX2-1-related conditions. This variant is not present in population databases (gnomAD no frequency). This sequence change results in a frameshift in the NKX2-1 gene (p.Gln317Alafs*121). While this is not anticipated to result in nonsense mediated decay, it is expected to disrupt the last 85 amino acid(s) of the NKX2-1 protein and extend the protein by 35 additional amino acid residues. This variant disrupts a region of the NKX2-1 protein in which other variant(s) (p.Gln356*) have been determined to be pathogenic (Invitae). This suggests that this is a clinically significant region of the protein, and that variants that disrupt it are likely to be disease-causing. For these reasons, this variant has been classified as Pathogenic.

NM_001079668.3(NKX2-1):c.948_949del (p.Gln317fs)

Genes: NKX2-1 (NK2 homeobox 1; minus strand), SFTA3 (surfactant associated 3; minus strand). Cytogenetic location: 14q13.3.
Variant type: Microsatellite.
Coding change: c.948_949del on transcript NM_001079668.3 (MANE Select); coding-DNA positions 948 to 949, 2 bases deleted (GC; older notation c.948_949delGC).
Protein change: p.Gln317fs; shifts the reading frame from glutamine 317.
Molecular consequence: frameshift variant.
Genome position (GRCh38, 1-based): chr14:36,517,535-36,517,536, GC deleted on the plus strand (GC on the coding strand, the reverse complement: NKX2-1 is on the minus strand); deleting any 2 consecutive bases within chr14:36,517,535-36,517,539 gives the same sequence; the c. name uses the placement nearest the transcript's 3' end. VCF-style (leftmost placement, unchanged base first): chr14-36517534-TGC-T. GRCh37 (hg19) VCF-style: chr14-36986739-TGC-T.
Other names: c.858_859del, p.Gln287fs (NM_003317.4); short protein forms Q287fs, Q317fs.
Identifiers: ClinVar variation 2703391 (VCV002703391.3), dbSNP rs2502626902, ClinGen allele CA2697553899.